The following is an entry in ClinVar:

ClinVar aggregate classification (germline): Likely benign (1 of 4 stars; one submission).

gnomAD v4.1: 188 of 1,613,928 alleles (0.012%); highest among the groups gnomAD compares: South Asian, 0.15%; 1 homozygote.

Submission:

CeGaT Center for Human Genetics Tuebingen
Classification: Likely benign. Last evaluated: 2026-01-01. Review status: criteria provided, single submitter. Criteria: CeGaT Center For Human Genetics Tuebingen Variant Classification Criteria Version 2. Collection method: clinical testing. Allele origin: germline. Affected: yes. Observed: 1 variant allele.
Comment: SMG1: BP4, BP7

NM_015092.5(SMG1):c.9210C>T (p.Asn3070=)

Gene: SMG1 (SMG1 nonsense mediated mRNA decay associated PI3K related kinase; minus strand). Cytogenetic location: 16p12.3.
Variant type: single nucleotide variant.
Coding change: c.9210C>T on transcript NM_015092.5 (MANE Select); coding-DNA position 9210, C replaced by T.
Protein change: p.Asn3070=; no amino-acid change (asparagine 3070 retained).
Molecular consequence: synonymous variant.
Genome position (GRCh38, 1-based): chr16:18,829,679, G>A on the plus strand (C>T on the coding strand, the complement: SMG1 is on the minus strand). VCF-style: chr16-18829679-G-A. GRCh37 (hg19) VCF-style: chr16-18841001-G-A.
Identifiers: ClinVar variation 4821679 (VCV004821679.4).
Genomic context (GRCh38, chr16:18,829,679, plus strand): 5'-CACAAAGTCAGCTGTGAATGCCTTGATAGGTTTGGCCATTTGGTCTTCACTGAAACAAGA[G>A]TTTCTAAAAAGGGTTTTCACATTGACAATCTGTACAGGCCCATTCACAGTATTCTGATCT-3'
Protein context (NP_055907.3, residues 3060-3080): QIVNVKTLFR[Asn3070=]SCFSEDQMAK